The following is an entry in ClinVar:

NM_001387430.1(SH2B1):c.1528C>T (p.Gln510Ter)

Gene: SH2B1 (SH2B adaptor protein 1; plus strand). Cytogenetic location: 16p11.2.
Variant type: single nucleotide variant.
Coding change: c.1528C>T on transcript NM_001387430.1 (MANE Select); coding-DNA position 1528, C replaced by T.
Protein change: p.Gln510Ter; replaces glutamine 510 with a stop codon.
Molecular consequence: nonsense.
Genome position (GRCh38, 1-based): chr16:28,872,204, C>T. VCF-style: chr16-28872204-C-T. GRCh37 (hg19) VCF-style: chr16-28883525-C-T.
Other names: c.1528C>T, p.Gln510Ter (NM_001145795.2, NM_001145796.2, NM_001145797.2 and 4 more transcripts); c.520C>T, p.Gln174Ter (NM_001308294.2); short protein forms Q510*, Q174*.
Identifiers: ClinVar variation 4993259 (VCV004993259.1).

ClinVar aggregate classification (germline): Uncertain significance. Review status: criteria provided, multiple submitters, no conflicts (2 of 4 stars). 2 submissions from 2 submitters: Uncertain significance (2). Last evaluated 2026-05-26.

Conditions:
SH2B1-related disorder. Also called: SH2B1-related condition.

Submissions (2):

PreventionGenetics, part of Exact Sciences
Classification: Uncertain significance for SH2B1-related condition. Last evaluated: 2026-05-26. Review status: criteria provided, single submitter. Criteria: ACMG Guidelines, 2015. Collection method: clinical testing. Allele origin: germline.
Comment: The SH2B1 c.1528C>T variant is predicted to result in premature protein termination (p.Gln510*). To our knowledge, this variant has not been reported in the literature or in a large population database (gnomAD), indicating this variant is rare. Loss-of-function is not an established mechanism of disease for the SH2B1 gene. At this time, the clinical significance of this variant is uncertain due to the absence of conclusive functional and genetic evidence.

GeneDx
Classification: Uncertain significance. Last evaluated: 2026-03-18. Review status: criteria provided, single submitter. Criteria: GeneDx Variant Classification Process June 2021. Collection method: clinical testing. Allele origin: germline.
Comment: Not observed at significant frequency in large population cohorts (gnomAD); Nonsense variant predicted to result in protein truncation or nonsense mediated decay in a gene or region of a gene for which loss of function is not a well-established mechanism of disease; Has not been previously published as pathogenic or benign to our knowledge